The following is an entry in ClinVar:

ClinVar aggregate classification (germline): Uncertain significance. Review status: criteria provided, multiple submitters, no conflicts (2 of 4 stars). 3 submissions from 3 submitters: Uncertain significance (3). Last evaluated 2022-12-07.

Conditions:
Inborn genetic diseases. Identifiers: MedGen C0950123, MeSH D030342.

gnomAD v4.1: 10 of 1,614,164 alleles (0.00062%); highest among the groups gnomAD compares: South Asian, 0.0077%; no homozygotes.

Submissions (3):

Ambry Genetics
Classification: Uncertain significance for Inborn genetic diseases. Last evaluated: 2022-12-07. Review status: criteria provided, single submitter. Criteria: Ambry Variant Classification Scheme 2023. Collection method: clinical testing. Allele origin: germline.

Blueprint Genetics
Classification: Uncertain significance. Last evaluated: 2021-02-04. Review status: criteria provided, single submitter. Criteria: ACMG Guidelines, 2015. Collection method: clinical testing. Allele origin: germline.

Labcorp Genetics (formerly Invitae), Labcorp
Classification: Uncertain significance. Last evaluated: 2019-11-27. Review status: criteria provided, single submitter. Criteria: Invitae Variant Classification Sherloc (09022015). Collection method: clinical testing. Allele origin: germline.
Comment: This sequence change replaces asparagine with serine at codon 358 of the ADAMTS18 protein (p.Asn358Ser). The asparagine residue is highly conserved and there is a small physicochemical difference between asparagine and serine. This variant is not present in population databases (ExAC no frequency). This variant has not been reported in the literature in individuals with ADAMTS18-related conditions. Algorithms developed to predict the effect of missense changes on protein structure and function are either unavailable or do not agree on the potential impact of this missense change (SIFT: "Not Available"; PolyPhen-2: "Benign"; Align-GVGD: "Class Not Available"). In summary, the available evidence is currently insufficient to determine the role of this variant in disease. Therefore, it has been classified as a Variant of Uncertain Significance.

NM_199355.4(ADAMTS18):c.1073A>G (p.Asn358Ser)

Gene: ADAMTS18 (ADAM metallopeptidase with thrombospondin type 1 motif 18; minus strand). Cytogenetic location: 16q23.1.
Variant type: single nucleotide variant.
Coding change: c.1073A>G on transcript NM_199355.4 (MANE Select); coding-DNA position 1073, A replaced by G.
Protein change: p.Asn358Ser; replaces asparagine 358 with serine.
Molecular consequence: missense variant.
Genome position (GRCh38, 1-based): chr16:77,362,248, T>C on the plus strand (A>G on the coding strand, the complement: ADAMTS18 is on the minus strand). VCF-style: chr16-77362248-T-C. GRCh37 (hg19) VCF-style: chr16-77396145-T-C.
Other names: c.557A>G, p.Asn186Ser (NM_001326358.2); c.1073A>G (NM_199355.2); short protein forms N186S, N358S.
Identifiers: ClinVar variation 843100 (VCV000843100.10), dbSNP rs189808171, ClinGen allele CA396836097.
Genomic context (GRCh38, chr16:77,362,248, plus strand): 5'-TTTCCAATGAGGGCAGACTGCCATTGACAAAAACTATTCAGAGACTGGTCTGCATGATGG[T>C]TGATCAATAATCCTCCCTATGGGAAACCCACACAAATCAAAGTGTGAATTTGTCACAGAG-3'
Protein context (NP_955387.1, residues 348-368): LEQEPGGLLI[Asn358Ser]HHADQSLNSF